The following is an entry in ClinVar:

ClinVar aggregate classification (germline): Uncertain significance (1 of 4 stars; one submission).

Conditions:
Anemia, nonspherocytic hemolytic, due to G6PD deficiency (CNSHA1). Also called: Hemolytic anemia due to G6PD deficiency; Class I glucose-6-phosphate dehydrogenase deficiency; Favism, susceptibility to; ANEMIA, CONGENITAL, NONSPHEROCYTIC HEMOLYTIC, 1. Identifiers: Orphanet 466026, MedGen C2720289, MONDO:0010480, OMIM 300908.

Allele frequency attached by ClinVar (database versions not stated): gnomAD 0.00001.
gnomAD v4.1: 1 of 1,209,983 alleles (0.000083%); highest among the groups gnomAD compares: Admixed American, 0.0022%; no homozygotes.

Submission:

Labcorp Genetics (formerly Invitae), Labcorp
Classification: Uncertain significance for Anemia, nonspherocytic hemolytic, due to G6PD deficiency. Last evaluated: 2022-11-01. Review status: criteria provided, single submitter. Criteria: Invitae Variant Classification Sherloc (09022015). Collection method: clinical testing. Allele origin: germline.
Comment: In summary, the available evidence is currently insufficient to determine the role of this variant in disease. Therefore, it has been classified as a Variant of Uncertain Significance. Advanced modeling of protein sequence and biophysical properties (such as structural, functional, and spatial information, amino acid conservation, physicochemical variation, residue mobility, and thermodynamic stability) performed at Invitae indicates that this missense variant is expected to disrupt G6PD protein function. This missense change has been observed in individual(s) with clinical features of glucose-6-phosphate dehydrogenase deficiency (PMID: 12064901). This variant is not present in population databases (gnomAD no frequency). This sequence change replaces arginine, which is basic and polar, with tryptophan, which is neutral and slightly polar, at codon 57 of the G6PD protein (p.Arg57Trp).

Literature cited by the submitters: PubMed 12064901.

NM_001360016.2(G6PD):c.169C>T (p.Arg57Trp)

Gene: G6PD (glucose-6-phosphate dehydrogenase; minus strand). Cytogenetic location: Xq28.
Variant type: single nucleotide variant.
Coding change: c.169C>T on transcript NM_001360016.2 (MANE Select); coding-DNA position 169, C replaced by T.
Protein change: p.Arg57Trp; replaces arginine 57 with tryptophan.
Molecular consequence: missense variant.
Genome position (GRCh38, 1-based): chrX:154,536,035, G>A on the plus strand (C>T on the coding strand, the complement: G6PD is on the minus strand). VCF-style: chrX-154536035-G-A. GRCh37 (hg19) VCF-style: chrX-153764250-G-A.
Other names: c.259C>T, p.Arg87Trp (NM_000402.4); c.169C>T, p.Arg57Trp (NM_001042351.3); short protein forms R87W, R57W.
Identifiers: ClinVar variation 2737448 (VCV002737448.3), dbSNP rs2070404778, ClinGen allele CA415239980.
Genomic context (GRCh38, chrX:154,536,035, plus strand): 5'-CTGTGAGGCGGGAACGGGCATAGCCCACGATGAAGGTGTTTTCGGGCAGAAGGCCATCCC[G>A]GAACAGCCACCTGAGGGCAGGGCACAGCTGTAACCAGTGCGGGCAGGGCAGGACCAGGCC-3'
Protein context (NP_001346945.1, residues 47-67): KIYPTIWWLF[Arg57Trp]DGLLPENTFI